The following is an entry in ClinVar:

ClinVar aggregate classification (germline): Uncertain significance (1 of 4 stars; one submission).

Conditions:
Joubert syndrome 21 (JBTS21). Identifiers: MedGen C3810212, MONDO:0014288, OMIM 615636.

gnomAD v4.1: 3 of 1,606,008 alleles (0.00019%); highest among the groups gnomAD compares: Admixed American, 0.0017%; no homozygotes.

Submission:

Labcorp Genetics (formerly Invitae), Labcorp
Classification: Uncertain significance for Joubert syndrome 21. Last evaluated: 2022-08-16. Review status: criteria provided, single submitter. Criteria: Invitae Variant Classification Sherloc (09022015). Collection method: clinical testing. Allele origin: germline.
Comment: Algorithms developed to predict the effect of sequence changes on RNA splicing suggest that this variant may create or strengthen a splice site. In summary, the available evidence is currently insufficient to determine the role of this variant in disease. Therefore, it has been classified as a Variant of Uncertain Significance. This sequence change replaces isoleucine, which is neutral and non-polar, with valine, which is neutral and non-polar, at codon 341 of the CSPP1 protein (p.Ile341Val). This variant is not present in population databases (gnomAD no frequency). This variant has not been reported in the literature in individuals affected with CSPP1-related conditions. ClinVar contains an entry for this variant (Variation ID: 861024). Algorithms developed to predict the effect of missense changes on protein structure and function output the following: SIFT: "Tolerated"; PolyPhen-2: "Benign"; Align-GVGD: "Class C0". The valine amino acid residue is found in multiple mammalian species, which suggests that this missense change does not adversely affect protein function.

NM_001382391.1(CSPP1):c.994A>G (p.Ile332Val)

Gene: CSPP1 (centrosome and spindle pole associated protein 1; plus strand). Cytogenetic location: 8q13.2.
Variant type: single nucleotide variant.
Coding change: c.994A>G on transcript NM_001382391.1 (MANE Select); coding-DNA position 994, A replaced by G.
Protein change: p.Ile332Val; replaces isoleucine 332 with valine.
Molecular consequence: missense variant. On other transcripts: intron variant (1).
Genome position (GRCh38, 1-based): chr8:67,103,107, A>G. VCF-style: chr8-67103107-A-G. GRCh37 (hg19) VCF-style: chr8-68015342-A-G.
Other names: c.139A>G, p.Ile47Val (NM_001291339.2); c.913A>G, p.Ile305Val (NM_001363131.2, NM_001363133.2); c.994A>G, p.Ile332Val (NM_001363132.2); c.1102A>G, p.Ile368Val (NM_001364869.1); c.1021A>G, p.Ile341Val (NM_024790.7); c.951-2798A>G (NM_001364870.1); short protein forms I368V, I332V, I341V, I47V, I305V.
Identifiers: ClinVar variation 861024 (VCV000861024.9), dbSNP rs1479905045, ClinGen allele CA371193943.